The following is an entry in ClinVar:

ClinVar aggregate classification (germline): Benign. Review status: criteria provided, multiple submitters, no conflicts (2 of 4 stars). 3 submissions from 3 submitters: Benign (2). 1 of the submissions does not count toward it. Last evaluated 2017-12-11.

Conditions:
CRY1-related disorder. Also called: CRY1-related condition.

Allele frequency attached by ClinVar (database versions not stated): gnomAD exomes 0.00012 and 0.00026; ExAC 0.00037; ESP Exome Variant Server 0.00100; gnomAD 0.00116 and 0.00119; TOPMed 0.00121; 1000 Genomes Project 0.00140; 1000 Genomes Project 30x 0.00156.
gnomAD v4.1: 352 of 1,614,240 alleles (0.022%); highest among the groups gnomAD compares: African/African-American, 0.41%; 2 homozygotes.

Submissions (3):

Labcorp Genetics (formerly Invitae), Labcorp
Classification: Benign. Last evaluated: 2017-12-11. Review status: criteria provided, single submitter. Criteria: Invitae Variant Classification Sherloc (09022015). Collection method: clinical testing. Allele origin: germline.

Breakthrough Genomics
Classification: Benign. Review status: criteria provided, single submitter. Criteria: ACMG Guidelines, 2015. Collection method: not provided. Allele origin: germline. Inheritance: Autosomal dominant inheritance. Affected: yes.

PreventionGenetics, part of Exact Sciences
Classification: Likely benign for CRY1-related condition. Last evaluated: 2019-09-13. Review status: no assertion criteria provided. Collection method: clinical testing. Allele origin: germline. Not counted in ClinVar's aggregate classification.
Comment: This variant is classified as likely benign based on ACMG/AMP sequence variant interpretation guidelines (Richards et al. 2015 PMID: 25741868, with internal and published modifications).

NM_004075.5(CRY1):c.993G>A (p.Ala331=)

Gene: CRY1 (cryptochrome circadian regulator 1; minus strand). Cytogenetic location: 12q23.3.
Variant type: single nucleotide variant.
Coding change: c.993G>A on transcript NM_004075.5 (MANE Select); coding-DNA position 993, G replaced by A.
Protein change: p.Ala331=; no amino-acid change (alanine 331 retained).
Molecular consequence: synonymous variant.
Genome position (GRCh38, 1-based): chr12:106,999,695, C>T on the plus strand (G>A on the coding strand, the complement: CRY1 is on the minus strand). VCF-style: chr12-106999695-C-T. GRCh37 (hg19) VCF-style: chr12-107393473-C-T.
Identifiers: ClinVar variation 729183 (VCV000729183.6), dbSNP rs139335342, ClinGen allele CA6764150.